The following is an entry in ClinVar:

NM_000748.3(CHRNB2):c.640G>A (p.Glu214Lys)

Gene: CHRNB2 (cholinergic receptor nicotinic beta 2 subunit; plus strand). Cytogenetic location: 1q21.3.
Variant type: single nucleotide variant.
Coding change: c.640G>A on transcript NM_000748.3 (MANE Select); coding-DNA position 640, G replaced by A.
Protein change: p.Glu214Lys; replaces glutamic acid 214 with lysine.
Molecular consequence: missense variant.
Genome position (GRCh38, 1-based): chr1:154,571,463, G>A. VCF-style: chr1-154571463-G-A. GRCh37 (hg19) VCF-style: chr1-154543939-G-A.
Other names: p.E214K:GAG>AAG; short protein forms E214K.
Identifiers: ClinVar variation 205069 (VCV000205069.11), dbSNP rs780175030, ClinGen allele CA313655.
Genomic context (GRCh38, chr1:154,571,463, plus strand): 5'-CTGGACGACTTCACACCTAGTGGTGAGTGGGACATCGTGGCGCTGCCGGGCCGGCGCAAC[G>A]AGAACCCCGACGACTCTACGTACGTGGACATCACGTATGACTTCATCATTCGCCGCAAGC-3'
Protein context (NP_000739.1, residues 204-224): DIVALPGRRN[Glu214Lys]NPDDSTYVDI

ClinVar aggregate classification (germline): Conflicting classifications of pathogenicity. Review status: criteria provided, conflicting classifications (1 of 4 stars). 4 submissions from 4 submitters: Uncertain significance (3); Likely benign (1). Last evaluated 2024-10-23.

Conditions:
Familial sleep-related hypermotor epilepsy. Also called: Autosomal Dominant Sleep-Related Hypermotor (Hyperkinetic) Epilepsy. Identifiers: Orphanet 98784, MedGen C3696898, MONDO:0000030.
Inborn genetic diseases. Identifiers: MedGen C0950123, MeSH D030342.
Autosomal dominant nocturnal frontal lobe epilepsy 3. Also called: CHRNB2-Related Nocturnal Frontal Lobe Epilepsy, Autosomal Dominant. Identifiers: Orphanet 98784, MedGen C1854335, MONDO:0011545, OMIM 605375.

Allele frequency attached by ClinVar (database versions not stated): TOPMed below 0.00001; gnomAD 0.00001 and 0.00002; ExAC 0.00002; gnomAD exomes 0.00002.
gnomAD v4.1: 29 of 1,613,968 alleles (0.0018%); highest among the groups gnomAD compares: Non-Finnish European, 0.0024%; no homozygotes.

Submissions (4):

Labcorp Genetics (formerly Invitae), Labcorp
Classification: Uncertain significance. Last evaluated: 2024-10-23. Review status: criteria provided, single submitter. Criteria: Invitae Variant Classification Sherloc (09022015). Collection method: clinical testing. Allele origin: germline.
Comment: This sequence change replaces glutamic acid, which is acidic and polar, with lysine, which is basic and polar, at codon 214 of the CHRNB2 protein (p.Glu214Lys). This variant is present in population databases (rs780175030, gnomAD 0.003%). This variant has not been reported in the literature in individuals affected with CHRNB2-related conditions. ClinVar contains an entry for this variant (Variation ID: 205069). Invitae Evidence Modeling of protein sequence and biophysical properties (such as structural, functional, and spatial information, amino acid conservation, physicochemical variation, residue mobility, and thermodynamic stability) indicates that this missense variant is not expected to disrupt CHRNB2 protein function with a negative predictive value of 80%. In summary, the available evidence is currently insufficient to determine the role of this variant in disease. Therefore, it has been classified as a Variant of Uncertain Significance.

Ambry Genetics
Classification: Likely benign for Inborn genetic diseases. Last evaluated: 2024-09-24. Review status: criteria provided, single submitter. Criteria: Ambry Variant Classification Scheme 2023. Collection method: clinical testing. Allele origin: germline.

Fulgent Genetics
Classification: Uncertain significance for Autosomal dominant nocturnal frontal lobe epilepsy 3. Last evaluated: 2018-10-31. Review status: criteria provided, single submitter. Criteria: ACMG Guidelines, 2015. Collection method: clinical testing. Allele origin: unknown.

GeneDx
Classification: Uncertain significance. Last evaluated: 2013-09-10. Review status: criteria provided, single submitter. Criteria: GeneDx Variant Classification (06012015). Collection method: clinical testing. Allele origin: germline. Affected: yes.
Comment: p.Glu214Lys (GAG>AAG): c.640 G>A in exon 5 of the CHRNB2 gene (NM_000748.2). The Glu214Lys missense change has not been published as a mutation, nor has it been reported as a benign polymorphism to our knowledge. It was not observed in approximately 6,500 individuals of European and African American ancestry in the NHLBI Exome Sequencing Project, indicating it is not a common benign variant in these populations. This variant is a non-conservative amino acid substitution of a negatively charged Glutamic acid residue with a positively charged Lysine residue at a position that is conserved through mammals. The Glu214Lys amino acid substitution does not occur within the transmembrane region of the protein, where pathogenic missense mutations have been identified in association with epilepsy (Steinlein et al., 2010). Additionally, in silico analysis is inconsistent with regard to the effect this variant may have on the protein structure/function. Therefore, based on the currently available information, it is unclear whether Glu214Lys is a disease-causing mutation or a rare benign variant. The variant is found in EPILEPSY panel(s).